The following is an entry in ClinVar:

NM_000038.6(APC):c.2414G>A (p.Arg805Gln)

Gene: APC (APC regulator of Wnt signaling pathway; plus strand). Cytogenetic location: 5q22.2.
Variant type: single nucleotide variant.
Coding change: c.2414G>A on transcript NM_000038.6 (MANE Select); coding-DNA position 2414, G replaced by A.
Protein change: p.Arg805Gln; replaces arginine 805 with glutamine.
Molecular consequence: missense variant.
Genome position (GRCh38, 1-based): chr5:112,838,008, G>A. VCF-style: chr5-112838008-G-A. GRCh37 (hg19) VCF-style: chr5-112173705-G-A.
Other names: c.2414G>A, p.Arg805Gln (NM_001127510.3, NM_001354895.2); c.2360G>A, p.Arg787Gln (NM_001127511.3); c.2468G>A, p.Arg823Gln (NM_001354896.2); c.2444G>A, p.Arg815Gln (NM_001354897.2); c.2339G>A, p.Arg780Gln (NM_001354898.2); c.2330G>A, p.Arg777Gln (NM_001354899.2); c.2291G>A, p.Arg764Gln (NM_001354900.2); c.2237G>A, p.Arg746Gln (NM_001354901.2); and 5 more; short protein forms R787Q, R805Q, R704Q, R780Q, R522Q, R645Q, R714Q, R746Q.
Identifiers: ClinVar variation 411558 (VCV000411558.29), dbSNP rs200593940, ClinGen allele CA031897.

ClinVar aggregate classification (germline): Conflicting classifications of pathogenicity. Review status: criteria provided, conflicting classifications (1 of 4 stars). 10 submissions from 10 submitters: Uncertain significance (7); Likely benign (2). 1 of the submissions does not count toward it. Last evaluated 2026-03-16.

Conditions:
Classic or attenuated familial adenomatous polyposis. Identifiers: MedGen CN372698, MONDO:0021057.
APC-related disorder. Also called: APC-related condition.
Hereditary cancer-predisposing syndrome. Also called: Neoplastic Syndromes, Hereditary; Tumor predisposition; Hereditary Cancer Syndrome; Hereditary neoplastic syndrome. Identifiers: Orphanet 140162, MedGen C0027672, MeSH D009386, MONDO:0015356.
Familial adenomatous polyposis 1 (FAP1). Also called: FAMILIAL ADENOMATOUS POLYPOSIS 1, ATTENUATED; POLYPOSIS, ADENOMATOUS INTESTINAL. Identifiers: MedGen C2713442, MONDO:0021056, OMIM 175100. Disease mechanism: loss of function.
Neoplasm of the liver. Identifiers: MedGen C0023903, HP:0002896.

Allele frequency attached by ClinVar (database versions not stated): ExAC 0.00001; gnomAD 0.00001 and 0.00002; gnomAD exomes 0.00001; TOPMed 0.00002; 1000 Genomes Project 0.00020; 1000 Genomes Project 30x 0.00031.
gnomAD v4.1: 14 of 1,614,008 alleles (0.00087%); highest among the groups gnomAD compares: African/African-American, 0.0053%; no homozygotes.

Submissions (10):

PreventionGenetics, part of Exact Sciences
Classification: Uncertain significance for APC-related condition. Last evaluated: 2026-03-16. Review status: criteria provided, single submitter. Criteria: ACMG Guidelines, 2015. Collection method: clinical testing. Allele origin: germline.
Comment: The APC c.2414G>A variant is predicted to result in the amino acid substitution p.Arg805Gln. This variant was reported as germline variant in an individual with adrenocortical carcinoma and in an individual with familial colorectal cancer type X (Gagnon et al. 2020. PubMed ID: 32088909; Xu et al. 2020. PubMed ID: 32984025). This variant is reported in 0.010% of alleles in individuals of East Asian descent in gnomAD. In ClinVar, it is interpreted as likely benign/uncertain (Variation ID: 411558). At this time, the clinical significance of this variant is uncertain due to the absence of conclusive functional and genetic evidence.

Labcorp Genetics (formerly Invitae), Labcorp
Classification: Uncertain significance for Familial adenomatous polyposis 1. Last evaluated: 2025-10-12. Review status: criteria provided, single submitter. Criteria: Invitae Variant Classification Sherloc (09022015). Collection method: clinical testing. Allele origin: germline.
Comment: This sequence change replaces arginine, which is basic and polar, with glutamine, which is neutral and polar, at codon 805 of the APC protein (p.Arg805Gln). This variant is present in population databases (rs200593940, gnomAD 0.005%). This missense change has been observed in individual(s) with adrenocortical carcinoma and/or rectal cancer (PMID: 32088909, 32984025). ClinVar contains an entry for this variant (Variation ID: 411558). Invitae Evidence Modeling of protein sequence and biophysical properties (such as structural, functional, and spatial information, amino acid conservation, physicochemical variation, residue mobility, and thermodynamic stability) indicates that this missense variant is not expected to disrupt APC protein function with a negative predictive value of 95%. In summary, the available evidence is currently insufficient to determine the role of this variant in disease. Therefore, it has been classified as a Variant of Uncertain Significance.

Color Diagnostics, LLC DBA Color Health
Classification: Likely benign for Hereditary cancer-predisposing syndrome. Last evaluated: 2025-08-27. Review status: criteria provided, single submitter. Criteria: ACMG Guidelines, 2015. Collection method: clinical testing. Allele origin: germline.

GeneDx
Classification: Uncertain significance. Last evaluated: 2025-04-18. Review status: criteria provided, single submitter. Criteria: GeneDx Variant Classification Process June 2021. Collection method: clinical testing. Allele origin: germline. Affected: yes.
Comment: Not observed at a significant frequency in large population cohorts (gnomAD); In silico analysis supports that this missense variant does not alter protein structure/function; This variant is associated with the following publications: (PMID: 32984025, 27149842, 26991699, 27329244, 32088909, 33057194)

Baylor Genetics
Classification: Uncertain significance for Familial adenomatous polyposis 1. Last evaluated: 2024-03-11. Review status: criteria provided, single submitter. Criteria: ACMG Guidelines, 2015. Collection method: clinical testing. Allele origin: unknown.

Women's Health and Genetics/Laboratory Corporation of America, LabCorp
Classification: Uncertain significance. Last evaluated: 2023-11-08. Review status: criteria provided, single submitter. Criteria: LabCorp Variant Classification Summary - May 2015. Collection method: clinical testing. Allele origin: germline.
Comment: Variant summary: APC c.2414G>A (p.Arg805Gln) results in a conservative amino acid change in the encoded protein sequence. Three of five in-silico tools predict a damaging effect of the variant on protein function. The variant allele was found at a frequency of 8.7e-06 in 1614008 control chromosomes (gnomAD v4). This frequency is not significantly higher than estimated for a pathogenic variant in APC causing Familial Adenomatous Polyposis (8.7e-06 vs 7.1e-05), allowing no conclusion about variant significance. c.2414G>A has been reported in the literature in individuals affected with adrenocortical carcinoma (e.g., Gagnon_2020) and rectal cancer (e.g., Xu_2020). These reports do not provide unequivocal conclusions about association of the variant with Familial Adenomatous Polyposis. To our knowledge, no experimental evidence demonstrating an impact on protein function has been reported. The following publications have been ascertained in the context of this evaluation (PMID: 32088909, 32984025). Six submitters have reported this variant to ClinVar after 2014 with conflicting assessments (VUS, n = 5; likely benign, n = 1). Based on the evidence outlined above, the variant was classified as uncertain significance.

All of Us Research Program, National Institutes of Health
Classification: Uncertain significance for Classic or attenuated familial adenomatous polyposis. Last evaluated: 2023-10-27. Review status: criteria provided, single submitter. Criteria: ACMG Guidelines, 2015. Collection method: clinical testing. Allele origin: germline. Inheritance: Autosomal dominant inheritance. Observed: 1 variant allele, 1 heterozygote.
Comment: This missense variant replaces arginine with glutamine at codon 805 of the APC protein. Computational prediction suggests that this variant may not impact protein structure and function (internally defined REVEL score threshold <= 0.5, PMID: 27666373). Splice site prediction tools suggest that this variant may not impact RNA splicing. To our knowledge, functional studies have not been performed for this variant. This variant has been reported in individuals affected with colorectal cancer (PMID: 32984025), or adrenocortical carcinoma (PMID: 32088909). This variant has been identified in 4/282254 chromosomes in the general population by the Genome Aggregation Database (gnomAD). The available evidence is insufficient to determine the role of this variant in disease conclusively. Therefore, this variant is classified as a Variant of Uncertain Significance.

This study involves interpretation of variants in research participants for the purpose of population health screening. Participant phenotype was not available at the time of variant classification. Additional details can be found in publication PMID: 35346344, PMCID: PMC8962531

Ambry Genetics
Classification: Likely benign for Hereditary cancer-predisposing syndrome. Last evaluated: 2021-04-05. Review status: criteria provided, single submitter. Criteria: Ambry Variant Classification Scheme 2023. Collection method: clinical testing. Allele origin: germline.

Mendelics
Classification: Uncertain significance for Familial adenomatous polyposis 1. Last evaluated: 2019-05-28. Review status: criteria provided, single submitter. Criteria: Mendelics Assertion Criteria 2017. Collection method: clinical testing. Allele origin: unknown.

3DMed Clinical Laboratory Inc
Classification: Uncertain significance for Neoplasm of the liver. Last evaluated: 2018-05-21. Review status: no assertion criteria provided. Criteria: ACMG Guidelines, 2015. Collection method: clinical testing. Allele origin: germline. Affected: yes. Not counted in ClinVar's aggregate classification.

Literature cited by the submitters: PubMed 32088909 (cited by 4 submitters); PubMed 32984025 (cited by 4 submitters).